The following is an entry in ClinVar:

NM_020778.5(ALPK3):c.1832A>G (p.Gln611Arg)

Gene: ALPK3 (alpha kinase 3; plus strand). Cytogenetic location: 15q25.3.
Variant type: single nucleotide variant.
Coding change: c.1832A>G on transcript NM_020778.5 (MANE Select); coding-DNA position 1832, A replaced by G.
Protein change: p.Gln611Arg; replaces glutamine 611 with arginine.
Molecular consequence: missense variant.
Genome position (GRCh38, 1-based): chr15:84,856,570, A>G. VCF-style: chr15-84856570-A-G. GRCh37 (hg19) VCF-style: chr15-85399801-A-G.
Other names: short protein forms Q611R.
Identifiers: ClinVar variation 3623367 (VCV003623367.2).

ClinVar aggregate classification (germline): Uncertain significance (1 of 4 stars; one submission).

Submission:

Labcorp Genetics (formerly Invitae), Labcorp
Classification: Uncertain significance. Last evaluated: 2024-01-30. Review status: criteria provided, single submitter. Criteria: Invitae Variant Classification Sherloc (09022015). Collection method: clinical testing. Allele origin: germline.
Comment: This sequence change replaces glutamine, which is neutral and polar, with arginine, which is basic and polar, at codon 813 of the ALPK3 protein (p.Gln813Arg). This variant is not present in population databases (gnomAD no frequency). This variant has not been reported in the literature in individuals affected with ALPK3-related conditions. An algorithm developed to predict the effect of missense changes on protein structure and function (PolyPhen-2) suggests that this variant is likely to be tolerated. In summary, the available evidence is currently insufficient to determine the role of this variant in disease. Therefore, it has been classified as a Variant of Uncertain Significance.